The following is an entry in ClinVar:

NM_015338.6(ASXL1):c.3749C>T (p.Ser1250Leu)

Gene: ASXL1 (ASXL transcriptional regulator 1; plus strand). Cytogenetic location: 20q11.21.
Variant type: single nucleotide variant.
Coding change: c.3749C>T on transcript NM_015338.6 (MANE Select); coding-DNA position 3749, C replaced by T.
Protein change: p.Ser1250Leu; replaces serine 1250 with leucine.
Molecular consequence: missense variant.
Genome position (GRCh38, 1-based): chr20:32,436,461, C>T. VCF-style: chr20-32436461-C-T. GRCh37 (hg19) VCF-style: chr20-31024264-C-T.
Other names: c.3566C>T, p.Ser1189Leu (NM_001363734.1); short protein forms S1189L, S1250L.
Identifiers: ClinVar variation 3438896 (VCV003438896.1).
Genomic context (GRCh38, chr20:32,436,461, plus strand): 5'-ATTCCAAAGAGCAGTTCTCTTCCTTTAGTTGTGAAGATCAGAAGGAAGTCCGTGCTATGT[C>T]ACAGGACAGTAATTCAAATGCTGCTCCAGGAAAGAGCCCAGGAGATCTTACTACCTCGAG-3'
Protein context (NP_056153.2, residues 1240-1260): CEDQKEVRAM[Ser1250Leu]QDSNSNAAPG

ClinVar aggregate classification (germline): Uncertain significance (1 of 4 stars; one submission).

Conditions:
Inborn genetic diseases. Identifiers: MedGen C0950123, MeSH D030342.

Submission:

Ambry Genetics
Classification: Uncertain significance for Inborn genetic diseases. Last evaluated: 2024-11-26. Review status: criteria provided, single submitter. Criteria: Ambry Variant Classification Scheme 2023. Collection method: clinical testing. Allele origin: germline.
Comment: The p.S1250L variant (also known as c.3749C>T), located in coding exon 13 of the ASXL1 gene, results from a C to T substitution at nucleotide position 3749. The serine at codon 1250 is replaced by leucine, an amino acid with dissimilar properties. This amino acid position is conserved. In addition, this alteration is predicted to be tolerated by in silico analysis. Based on the available evidence, the clinical significance of this variant remains unclear.